The following is an entry in ClinVar:

NM_000059.4(BRCA2):c.6203_6204insA (p.Leu2069fs)

Gene: BRCA2 (BRCA2 DNA repair associated; plus strand). Cytogenetic location: 13q13.1.
Variant type: Insertion.
Coding change: c.6203_6204insA on transcript NM_000059.4 (MANE Select); coding-DNA positions 6203 to 6204, A inserted.
Protein change: p.Leu2069fs; shifts the reading frame from leucine 2069.
Molecular consequence: frameshift variant.
Genome position: GRCh38 VCF-style: chr13-32340558-T-TA. GRCh37 (hg19) VCF-style: chr13-32914695-T-TA.
Other names: 6431insA; short protein forms L2069fs.
Identifiers: ClinVar variation 126091 (VCV000126091.3), dbSNP rs80359566, ClinGen allele CA023741.

ClinVar aggregate classification (germline): Pathogenic. Review status: reviewed by expert panel (3 of 4 stars). 4 submissions from 4 submitters: Pathogenic (1). 3 of the submissions do not count toward it. Last evaluated 2016-09-08.

Conditions:
Hereditary breast ovarian cancer syndrome. Also called: Hereditary breast and ovarian cancer; Hereditary breast and/or ovarian cancer syndrome; BRCA1- and BRCA2-Associated Hereditary Breast and Ovarian Cancer; Hereditary breast and ovarian cancer syndrome; Hereditary breast and ovarian cancer syndrome (HBOC); Breast and ovarian cancer. Identifiers: Orphanet 145, MedGen C0677776, MeSH D061325, MONDO:0003582. Disease mechanism: loss of function.
Breast-ovarian cancer, familial, susceptibility to, 2 (BROVCA2). Also called: BRCA2 Hereditary Breast and Ovarian Cancer. Identifiers: Orphanet 145, MedGen C2675520, MONDO:0012933, OMIM 612555. Disease mechanism: loss of function.

Submissions (4):

Evidence-based Network for the Interpretation of Germline Mutant Alleles (ENIGMA)
Classification: Pathogenic for Breast-ovarian cancer, familial, susceptibility to, 2. Last evaluated: 2016-09-08. Review status: reviewed by expert panel. Criteria: ENIGMA BRCA1/2 Classification Criteria (2015). Collection method: curation. Allele origin: germline.
Comment: Variant allele predicted to encode a truncated non-functional protein.

Consortium of Investigators of Modifiers of BRCA1/2 (CIMBA), c/o University of Cambridge
Classification: Pathogenic for Breast-ovarian cancer, familial, susceptibility to, 2. Last evaluated: 2015-10-02. Review status: criteria provided, single submitter. Criteria: CIMBA Mutation Classification guidelines May 2016. Collection method: clinical testing. Allele origin: germline. Not counted in ClinVar's aggregate classification.

Research Molecular Genetics Laboratory, Women's College Hospital, University of Toronto
Classification: Pathogenic for Hereditary breast ovarian cancer syndrome. Last evaluated: 2014-01-31. Review status: no assertion criteria provided. Collection method: research. Allele origin: germline. Affected: yes. Study: The Canadian Open Genetics Repository (COGR). Not counted in ClinVar's aggregate classification.

Breast Cancer Information Core (BIC) (BRCA2)
Classification: Pathogenic for Breast-ovarian cancer, familial 2. Last evaluated: 1999-06-22. Review status: no assertion criteria provided. Collection method: clinical testing. Allele origin: germline. Affected: yes. Observed: 1 variant allele. Not counted in ClinVar's aggregate classification.